The following is an entry in ClinVar:

NM_001963.6(EGF):c.1602G>A (p.Lys534=)

Gene: EGF (epidermal growth factor; plus strand). Cytogenetic location: 4q25.
Variant type: single nucleotide variant.
Coding change: c.1602G>A on transcript NM_001963.6 (MANE Select); coding-DNA position 1602, G replaced by A.
Protein change: p.Lys534=; no amino-acid change (lysine 534 retained).
Molecular consequence: synonymous variant.
Genome position (GRCh38, 1-based): chr4:109,968,997, G>A. VCF-style: chr4-109968997-G-A. GRCh37 (hg19) VCF-style: chr4-110890153-G-A.
Other names: c.1602G>A, p.Lys534= (NM_001178130.3); c.1476G>A, p.Lys492= (NM_001178131.3, NM_001357021.2).
Identifiers: ClinVar variation 778314 (VCV000778314.40), dbSNP rs140682556, ClinGen allele CA3043737.
Genomic context (GRCh38, chr4:109,968,997, plus strand): 5'-AAAAAATCAGAAATGCCTGTGTTCTCTTTTGTAGATATACTTTGCCCATACAGCCCTGAA[G>A]TGGATAGAGAGAGCTAATATGGATGGTTCCCAGCGAGAAAGGCTTATTGAGGAAGGAGTA-3'
Protein context (NP_001954.2, residues 524-544): NKIYFAHTAL[Lys534=]WIERANMDGS

ClinVar aggregate classification (germline): Conflicting classifications of pathogenicity. Review status: criteria provided, conflicting classifications (1 of 4 stars). 7 submissions from 7 submitters: Uncertain significance (1); Benign (1); Likely benign (2). 3 of the submissions do not count toward it. Last evaluated 2026-01-08.

Conditions:
EGF-related disorder. Also called: EGF-related condition.
Renal hypomagnesemia 4. Also called: HYPOMAGNESEMIA, RENAL, NORMOCALCIURIC. Identifiers: Orphanet 34527, MedGen C2673648, MONDO:0012717, OMIM 611718.

Allele frequency attached by ClinVar (database versions not stated): 1000 Genomes Project 30x 0.00156; 1000 Genomes Project 0.00160; ExAC 0.00172; gnomAD exomes 0.00185 and 0.00261; gnomAD 0.00190 and 0.00197; TOPMed 0.00220; ESP Exome Variant Server 0.00223.
gnomAD v4.1: 4,175 of 1,614,154 alleles (0.26%); highest among the groups gnomAD compares: Non-Finnish European, 0.3%; 8 homozygotes.

Submissions (7):

Labcorp Genetics (formerly Invitae), Labcorp
Classification: Benign. Last evaluated: 2026-01-08. Review status: criteria provided, single submitter. Criteria: Invitae Variant Classification Sherloc (09022015). Collection method: clinical testing. Allele origin: germline.

Blueprint Genetics
Classification: Likely benign. Last evaluated: 2024-11-23. Review status: criteria provided, single submitter. Criteria: ACMG Guidelines, 2015. Collection method: clinical testing. Allele origin: germline.

CeGaT Center for Human Genetics Tuebingen
Classification: Likely benign. Last evaluated: 2022-10-01. Review status: criteria provided, single submitter. Criteria: CeGaT Center For Human Genetics Tuebingen Variant Classification Criteria Version 2. Collection method: clinical testing. Allele origin: germline. Affected: yes. Observed: 1 variant allele.
Comment: EGF: BP4, BP7

Illumina Laboratory Services, Illumina
Classification: Uncertain significance for Renal hypomagnesemia 4. Last evaluated: 2018-01-12. Review status: criteria provided, single submitter. Criteria: ICSL Variant Classification Criteria 13 December 2019. Collection method: clinical testing. Allele origin: germline.

PreventionGenetics, part of Exact Sciences
Classification: Likely benign for EGF-related condition. Last evaluated: 2023-12-04. Review status: no assertion criteria provided. Collection method: clinical testing. Allele origin: germline. Not counted in ClinVar's aggregate classification.
Comment: This variant is classified as likely benign based on ACMG/AMP sequence variant interpretation guidelines (Richards et al. 2015 PMID: 25741868, with internal and published modifications).

Clinical Genetics DNA and cytogenetics Diagnostics Lab, Erasmus MC, Erasmus Medical Center
Classification: Likely benign. Review status: no assertion criteria provided. Collection method: clinical testing. Allele origin: germline. Affected: yes. Study: VKGL Data-share Consensus. Not counted in ClinVar's aggregate classification.

Genome Diagnostics Laboratory, University Medical Center Utrecht
Classification: Likely benign. Review status: no assertion criteria provided. Collection method: clinical testing. Allele origin: germline. Affected: yes. Study: VKGL Data-share Consensus. Not counted in ClinVar's aggregate classification.